The following is an entry in ClinVar:

ClinVar aggregate classification (germline): Conflicting classifications of pathogenicity. Review status: criteria provided, conflicting classifications (1 of 4 stars). 5 submissions from 5 submitters: Uncertain significance (2); Benign (1); Likely benign (2). Last evaluated 2026-07-01.

Conditions:
Hereditary spherocytosis type 2. Also called: SPHEROCYTOSIS, TYPE 2, AUTOSOMAL DOMINANT. Identifiers: Orphanet 822, MedGen C2674219, MONDO:0000913, OMIM 616649.

Allele frequency attached by ClinVar (database versions not stated): ExAC 0.00194; 1000 Genomes Project 30x 0.00047; 1000 Genomes Project 0.00060; TOPMed 0.00080; ESP Exome Variant Server 0.00108; gnomAD 0.00138 and 0.00141; gnomAD exomes 0.00164.

Submissions (5):

CeGaT Center for Human Genetics Tuebingen
Classification: Likely benign. Last evaluated: 2026-07-01. Review status: criteria provided, single submitter. Criteria: CeGaT Center For Human Genetics Tuebingen Variant Classification Criteria Version 2. Collection method: clinical testing. Allele origin: germline. Affected: yes. Observed: 5 variant alleles.
Comment: SPTB: BP4, BS2

Labcorp Genetics (formerly Invitae), Labcorp
Classification: Benign. Last evaluated: 2025-12-10. Review status: criteria provided, single submitter. Criteria: Invitae Variant Classification Sherloc (09022015). Collection method: clinical testing. Allele origin: germline.

ARUP Laboratories, Molecular Genetics and Genomics, ARUP Laboratories
Classification: Likely benign. Last evaluated: 2025-05-22. Review status: criteria provided, single submitter. Criteria: ARUP Molecular Germline Variant Investigation Process 2024. Collection method: clinical testing. Allele origin: germline.

Mendelics
Classification: Uncertain significance for Hereditary spherocytosis type 2. Last evaluated: 2023-04-21. Review status: criteria provided, single submitter. Criteria: Mendelics Assertion Criteria 2019. Collection method: clinical testing. Allele origin: germline.

Mayo Clinic Laboratories, Mayo Clinic
Classification: Uncertain significance. Last evaluated: 2021-04-27. Review status: criteria provided, single submitter. Criteria: ACMG Guidelines, 2015. Collection method: clinical testing. Allele origin: germline.

NM_001355436.2(SPTB):c.3679C>T (p.Pro1227Ser)

Gene: SPTB (spectrin beta, erythrocytic; minus strand). Cytogenetic location: 14q23.3.
Variant type: single nucleotide variant.
Coding change: c.3679C>T on transcript NM_001355436.2 (MANE Select); coding-DNA position 3679, C replaced by T.
Protein change: p.Pro1227Ser; replaces proline 1227 with serine.
Molecular consequence: missense variant.
Genome position (GRCh38, 1-based): chr14:64,785,834, G>A on the plus strand (C>T on the coding strand, the complement: SPTB is on the minus strand). VCF-style: chr14-64785834-G-A. GRCh37 (hg19) VCF-style: chr14-65252552-G-A.
Other names: p.Pro1227Ser; c.3679C>T, p.Pro1227Ser (NM_001024858.4, NM_001355437.2); short protein forms P1227S.
Identifiers: ClinVar variation 807129 (VCV000807129.54), dbSNP rs149186357, ClinGen allele CA7230553.
Genomic context (GRCh38, chr14:64,785,834, plus strand): 5'-CCTTGATCTTGTCTGAGTATAGGTTTCCCTCAGCTACCAGCTTGTTTCCAGAGTCCACAG[G>A]ACTCAAGACCTTATCCCGGTTGTTCTCCATAGACCCCAAGAAATCCTCAAACTTCCGGAT-3'
Protein context (NP_001342365.1, residues 1217-1237): MENNRDKVLS[Pro1227Ser]VDSGNKLVAE